The following is an entry in ClinVar:

ClinVar aggregate classification (germline): Uncertain significance (1 of 4 stars; one submission).

gnomAD v4.1: 1 of 1,610,058 alleles (0.000062%); highest among the groups gnomAD compares: East Asian, 0.0022%; no homozygotes.

Submission:

Labcorp Genetics (formerly Invitae), Labcorp
Classification: Uncertain significance. Last evaluated: 2024-06-13. Review status: criteria provided, single submitter. Criteria: Invitae Variant Classification Sherloc (09022015). Collection method: clinical testing. Allele origin: germline.
Comment: This sequence change falls in intron 16 of the NPAT gene. It does not directly change the encoded amino acid sequence of the NPAT protein. It affects a nucleotide within the consensus splice site. This variant is not present in population databases (gnomAD no frequency). This variant has not been reported in the literature in individuals affected with NPAT-related conditions. Variants that disrupt the consensus splice site are a relatively common cause of aberrant splicing (PMID: 17576681, 9536098). Algorithms developed to predict the effect of sequence changes on RNA splicing suggest that this variant is not likely to affect RNA splicing. In summary, the available evidence is currently insufficient to determine the role of this variant in disease. Therefore, it has been classified as a Variant of Uncertain Significance.

Literature cited by the submitters: PubMed 17576681; PubMed 9536098.

NM_002519.3(NPAT):c.3072-3T>C

Gene: NPAT (nuclear protein, coactivator of histone transcription; minus strand). Cytogenetic location: 11q22.3.
Variant type: single nucleotide variant.
Coding change: c.3072-3T>C on transcript NM_002519.3 (MANE Select); 3 bases into the intron before coding-DNA position 3072, T replaced by C.
Molecular consequence: intron variant. On other transcripts: synonymous variant (1).
Genome position (GRCh38, 1-based): chr11:108,162,017, A>G on the plus strand (T>C on the coding strand, the complement: NPAT is on the minus strand). VCF-style: chr11-108162017-A-G. GRCh37 (hg19) VCF-style: chr11-108032744-A-G.
Other names: c.3090T>C, p.Phe1030= (NM_001321307.1).
Identifiers: ClinVar variation 3652129 (VCV003652129.2).
Genomic context (GRCh38, chr11:108,162,017, plus strand): 5'-GGTTTCTTCTGATTTTTTCCCAAGATCTGTGGCAATACTTTTGTCAGAAACTTCAGTTCT[A>G]AAACAAAACAAAACAAAACTATTTCTAGCAGCATAAAGAAATCCTTTATGTTTTAAATCT-3'